The following is an entry in ClinVar:

ClinVar aggregate classification (germline): Uncertain significance (1 of 4 stars; one submission).

Submission:

Labcorp Genetics (formerly Invitae), Labcorp
Classification: Uncertain significance. Last evaluated: 2023-05-11. Review status: criteria provided, single submitter. Criteria: Invitae Variant Classification Sherloc (09022015). Collection method: clinical testing. Allele origin: germline.
Comment: This variant has not been reported in the literature in individuals affected with RIMS1-related conditions. An algorithm developed to predict the effect of missense changes on protein structure and function (PolyPhen-2) suggests that this variant is likely to be tolerated. In summary, the available evidence is currently insufficient to determine the role of this variant in disease. Therefore, it has been classified as a Variant of Uncertain Significance. This variant is not present in population databases (gnomAD no frequency). This sequence change replaces glutamic acid, which is acidic and polar, with glycine, which is neutral and non-polar, at codon 309 of the RIMS1 protein (p.Glu309Gly).

NM_014989.7(RIMS1):c.926A>G (p.Glu309Gly)

Gene: RIMS1 (regulating synaptic membrane exocytosis 1; plus strand). Cytogenetic location: 6q13.
Variant type: single nucleotide variant.
Coding change: c.926A>G on transcript NM_014989.7 (MANE Select); coding-DNA position 926, A replaced by G.
Protein change: p.Glu309Gly; replaces glutamic acid 309 with glycine.
Molecular consequence: missense variant.
Genome position (GRCh38, 1-based): chr6:72,182,397, A>G. VCF-style: chr6-72182397-A-G. GRCh37 (hg19) VCF-style: chr6-72892100-A-G.
Other names: short protein forms E309G.
Identifiers: ClinVar variation 2841121 (VCV002841121.3), dbSNP rs2551807607, ClinGen allele CA364819788.